The following is an entry in ClinVar:

NM_025152.3(NUBPL):c.77G>T (p.Gly26Val)

Gene: NUBPL (NUBP iron-sulfur cluster assembly factor, mitochondrial; plus strand). Cytogenetic location: 14q12.
Variant type: single nucleotide variant.
Coding change: c.77G>T on transcript NM_025152.3 (MANE Select); coding-DNA position 77, G replaced by T.
Protein change: p.Gly26Val; replaces glycine 26 with valine.
Molecular consequence: missense variant. On other transcripts: non-coding transcript variant (1).
Genome position (GRCh38, 1-based): chr14:31,561,516, G>T. VCF-style: chr14-31561516-G-T. GRCh37 (hg19) VCF-style: chr14-32030722-G-T.
Other names: short protein forms G26V.
Identifiers: ClinVar variation 282798 (VCV000282798.29), dbSNP rs77539990, ClinGen allele CA7147707.
Genomic context (GRCh38, chr14:31,561,516, plus strand): 5'-GTCTGCTGCTTTTTGGTGGGGTGTCGCTCCGGGCTGGTGGCGGGGCCACTGCCCCGCTTG[G>T]GGGAAGCCGAGCGATGGTTTGTGGGCGCCAGGTCCGTGGTGCTGCAGGGCAGGGGGAAGC-3'
Protein context (NP_079428.2, residues 16-36): RAGGGATAPL[Gly26Val]GSRAMVCGRQ

ClinVar aggregate classification (germline): Conflicting classifications of pathogenicity. Review status: criteria provided, conflicting classifications (1 of 4 stars). 8 submissions from 8 submitters: Uncertain significance (1); Benign (3); Likely benign (2). 2 of the submissions do not count toward it. Last evaluated 2025-11-01.

Conditions:
NUBPL-related disorder. Also called: NUBPL-related condition.
Mitochondrial complex I deficiency, nuclear type 1. Also called: NADH-COENZYME Q REDUCTASE DEFICIENCY; MITOCHONDRIAL NADH DEHYDROGENASE COMPONENT OF COMPLEX I, DEFICIENCY OF. Identifiers: MedGen C6022305, MONDO:0100224, OMIM 252010.

Allele frequency attached by ClinVar (database versions not stated): gnomAD exomes 0.00112; ExAC 0.00151; 1000 Genomes Project 30x 0.00390; ESP Exome Variant Server 0.00395; 1000 Genomes Project 0.00419; TOPMed 0.00422; gnomAD 0.00427 and 0.00463.
gnomAD v4.1: 1,096 of 1,383,064 alleles (0.079%); highest among the groups gnomAD compares: African/African-American, 1.5%; 8 homozygotes.

Submissions (8):

CeGaT Center for Human Genetics Tuebingen
Classification: Likely benign. Last evaluated: 2025-11-01. Review status: criteria provided, single submitter. Criteria: CeGaT Center For Human Genetics Tuebingen Variant Classification Criteria Version 2. Collection method: clinical testing. Allele origin: germline. Affected: yes. Observed: 1 variant allele.
Comment: NUBPL: BP4, BS1

Labcorp Genetics (formerly Invitae), Labcorp
Classification: Benign. Last evaluated: 2025-10-01. Review status: criteria provided, single submitter. Criteria: Invitae Variant Classification Sherloc (09022015). Collection method: clinical testing. Allele origin: germline.

Blueprint Genetics
Classification: Likely benign. Last evaluated: 2024-09-23. Review status: criteria provided, single submitter. Criteria: ACMG Guidelines, 2015. Collection method: clinical testing. Allele origin: germline.

Illumina Laboratory Services, Illumina
Classification: Uncertain significance for Mitochondrial complex I deficiency, nuclear type 1. Last evaluated: 2018-01-13. Review status: criteria provided, single submitter. Criteria: ICSL Variant Classification Criteria 13 December 2019. Collection method: clinical testing. Allele origin: germline.

Eurofins Ntd Llc (ga)
Classification: Benign. Last evaluated: 2015-09-10. Review status: criteria provided, single submitter. Criteria: EGL Classification Definitions 2015. Collection method: clinical testing. Allele origin: germline. Observed: 1 variant allele, 1 heterozygote.

GeneDx
Classification: Benign. Last evaluated: 2015-06-15. Review status: criteria provided, single submitter. Criteria: GeneDx Variant Classification (06012015). Collection method: clinical testing. Allele origin: germline. Affected: yes.
Comment: This variant is considered likely benign or benign based on one or more of the following criteria: it is a conservative change, it occurs at a poorly conserved position in the protein, it is predicted to be benign by multiple in silico algorithms, and/or has population frequency not consistent with disease.

PreventionGenetics, part of Exact Sciences
Classification: Benign for NUBPL-related condition. Last evaluated: 2020-03-27. Review status: no assertion criteria provided. Collection method: clinical testing. Allele origin: germline. Not counted in ClinVar's aggregate classification.
Comment: This variant is classified as benign based on ACMG/AMP sequence variant interpretation guidelines (Richards et al. 2015 PMID: 25741868, with internal and published modifications).

Mayo Clinic Laboratories, Mayo Clinic
Classification: Likely benign. Last evaluated: 2017-08-22. Review status: no assertion criteria provided. Collection method: clinical testing. Allele origin: unknown. Not counted in ClinVar's aggregate classification.